The following is an entry in ClinVar:

ClinVar aggregate classification (germline): Uncertain significance (1 of 4 stars; one submission).

Conditions:
Senior-Loken syndrome 8 (SLSN8). Identifiers: Orphanet 3156, MedGen C4225376, MONDO:0014579, OMIM 616307.
Asphyxiating thoracic dystrophy 5 (SRTD5). Also called: SHORT-RIB THORACIC DYSPLASIA 5 WITHOUT POLYDACTYLY; SHORT-RIB THORACIC DYSPLASIA 5 WITH OR WITHOUT POLYDACTYLY. Identifiers: Orphanet 474, MedGen C3280598, MONDO:0013717, OMIM 614376.

gnomAD v4.1: 1 of 1,435,830 alleles (0.00007%); no homozygotes.

Submission:

Labcorp Genetics (formerly Invitae), Labcorp
Classification: Uncertain significance for Senior-Loken syndrome 8; Asphyxiating thoracic dystrophy 5. Last evaluated: 2022-08-16. Review status: criteria provided, single submitter. Criteria: Invitae Variant Classification Sherloc (09022015). Collection method: clinical testing. Allele origin: germline.
Comment: In summary, the available evidence is currently insufficient to determine the role of this variant in disease. Therefore, it has been classified as a Variant of Uncertain Significance. Algorithms developed to predict the effect of missense changes on protein structure and function are either unavailable or do not agree on the potential impact of this missense change (SIFT: "Deleterious"; PolyPhen-2: "Benign"; Align-GVGD: "Class C45"). This variant has not been reported in the literature in individuals affected with WDR19-related conditions. This variant is not present in population databases (gnomAD no frequency). This sequence change replaces aspartic acid, which is acidic and polar, with valine, which is neutral and non-polar, at codon 805 of the WDR19 protein (p.Asp805Val).

NM_025132.4(WDR19):c.2414A>T (p.Asp805Val)

Gene: WDR19 (WD repeat domain 19; plus strand). Cytogenetic location: 4p14.
Variant type: single nucleotide variant.
Coding change: c.2414A>T on transcript NM_025132.4 (MANE Select); coding-DNA position 2414, A replaced by T.
Protein change: p.Asp805Val; replaces aspartic acid 805 with valine.
Molecular consequence: missense variant.
Genome position (GRCh38, 1-based): chr4:39,240,327, A>T. VCF-style: chr4-39240327-A-T. GRCh37 (hg19) VCF-style: chr4-39241947-A-T.
Other names: c.1934A>T, p.Asp645Val (NM_001317924.2); short protein forms D805V, D645V.
Identifiers: ClinVar variation 2139430 (VCV002139430.4), dbSNP rs2475244926, ClinGen allele CA356637037.
Genomic context (GRCh38, chr4:39,240,327, plus strand): 5'-TTTTTTTCAGGGGTGATTATGTAAATGCTTTGGCTCATTATGAGAAAGGAATAACAGGTG[A>T]TAATAAGGTAACCTTGGATAAAGATAAGATATGCCTAATTATGTCTGGGTTTGTTTTCAG-3'
Protein context (NP_079408.3, residues 795-815): LAHYEKGITG[Asp805Val]NKEHDEACLA